The following is an entry in ClinVar:

ClinVar aggregate classification (germline): Pathogenic (1 of 4 stars; one submission).

Conditions:
Myopathy, proximal, and ophthalmoplegia (CMYO6). Also called: CONGENITAL MYOPATHY 6 WITH OPHTHALMOPLEGIA; MYOPATHY WITH CONGENITAL JOINT CONTRACTURES, OPHTHALMOPLEGIA, AND RIMMED VACUOLES; INCLUSION BODY MYOPATHY 3, AUTOSOMAL DOMINANT. Identifiers: Orphanet 363677, Orphanet 79091, MedGen C1854106, MONDO:0011577, OMIM 605637.

Submission:

Labcorp Genetics (formerly Invitae), Labcorp
Classification: Pathogenic for Myopathy, proximal, and ophthalmoplegia. Last evaluated: 2023-12-10. Review status: criteria provided, single submitter. Criteria: Invitae Variant Classification Sherloc (09022015). Collection method: clinical testing. Allele origin: germline.
Comment: This sequence change creates a premature translational stop signal (p.Gln740Leufs*3) in the MYH2 gene. It is expected to result in an absent or disrupted protein product. Loss-of-function variants in MYH2 are known to be pathogenic (PMID: 20418530, 23388406, 24193343). This variant is not present in population databases (gnomAD no frequency). This variant has not been reported in the literature in individuals affected with MYH2-related conditions. For these reasons, this variant has been classified as Pathogenic.

Literature cited by the submitters: PubMed 20418530; PubMed 23388406; PubMed 24193343.

NM_017534.6(MYH2):c.2219_2220del (p.Gln740fs)

Genes: MYH2 (myosin heavy chain 2; minus strand), MYHAS (myosin heavy chain gene cluster antisense RNA; plus strand). Cytogenetic location: 17p13.1.
Variant type: Deletion.
Coding change: c.2219_2220del on transcript NM_017534.6 (MANE Select); coding-DNA positions 2219 to 2220, 2 bases deleted (AA; older notation c.2219_2220delAA).
Protein change: p.Gln740fs; shifts the reading frame from glutamine 740.
Molecular consequence: frameshift variant.
Genome position (GRCh38, 1-based): chr17:10,533,593-10,533,594, TT deleted on the plus strand (AA on the coding strand, the reverse complement: MYH2 is on the minus strand). VCF-style (leftmost placement, unchanged base first): chr17-10533592-ATT-A. GRCh37 (hg19) VCF-style: chr17-10436909-ATT-A.
Other names: c.2219_2220del, p.Gln740fs (NM_001100112.2); short protein forms Q740fs.
Identifiers: ClinVar variation 3012196 (VCV003012196.1), dbSNP rs2508442009, ClinGen allele CA2535530714.